The following is an entry in ClinVar:

ClinVar aggregate classification (germline): Uncertain significance (1 of 4 stars; one submission).

Conditions:
Cardiovascular phenotype. Identifiers: MedGen CN230736.

Allele frequency attached by ClinVar (database versions not stated): gnomAD exomes 0.00003.
gnomAD v4.1: 37 of 1,613,546 alleles (0.0023%); highest among the groups gnomAD compares: Non-Finnish European, 0.0031%; no homozygotes.

Submission:

Ambry Genetics
Classification: Uncertain significance for Cardiovascular phenotype. Last evaluated: 2023-07-23. Review status: criteria provided, single submitter. Criteria: Ambry Variant Classification Scheme 2023. Collection method: clinical testing. Allele origin: germline.
Comment: The p.E556Q variant (also known as c.1666G>C), located in coding exon 12 of the NEXN gene, results from a G to C substitution at nucleotide position 1666. The glutamic acid at codon 556 is replaced by glutamine, an amino acid with highly similar properties. This amino acid position is conserved. In addition, this alteration is predicted to be tolerated by in silico analysis. Since supporting evidence is limited at this time, the clinical significance of this alteration remains unclear.

NM_144573.4(NEXN):c.1666G>C (p.Glu556Gln)

Gene: NEXN (nexilin F-actin binding protein; plus strand). Cytogenetic location: 1p31.1.
Variant type: single nucleotide variant.
Coding change: c.1666G>C on transcript NM_144573.4 (MANE Select); coding-DNA position 1666, G replaced by C.
Protein change: p.Glu556Gln; replaces glutamic acid 556 with glutamine.
Molecular consequence: missense variant.
Genome position (GRCh38, 1-based): chr1:77,942,467, G>C. VCF-style: chr1-77942467-G-C. GRCh37 (hg19) VCF-style: chr1-78408152-G-C.
Other names: c.1474G>C, p.Glu492Gln (NM_001172309.2); short protein forms E492Q, E556Q.
Identifiers: ClinVar variation 2625958 (VCV002625958.2), dbSNP rs1474810495, ClinGen allele CA340881758.